The following is an entry in ClinVar:

ClinVar aggregate classification (germline): Uncertain significance. Review status: criteria provided, multiple submitters, no conflicts (2 of 4 stars). 5 submissions from 5 submitters: Uncertain significance (5). Last evaluated 2026-07-08.

Conditions:
Retinal dystrophy. Also called: Inherited retinal dystrophy. Identifiers: Orphanet 71862, MedGen C0854723, MeSH D058499, MONDO:0019118, HP:0000556.
TTC8-related disorder. Also called: TTC8-related condition.
Bardet-Biedl syndrome 8 (BBS8). Identifiers: Orphanet 110, MedGen C1859566, MONDO:0014436, OMIM 615985.
Retinitis pigmentosa 51 (RP51). Identifiers: Orphanet 791, MedGen C3150715, MONDO:0013274, OMIM 613464.
Bardet-Biedl syndrome (BBS). Identifiers: Orphanet 110, MedGen C0752166, MONDO:0015229.

Allele frequency attached by ClinVar (database versions not stated): ExAC 0.00004; TOPMed 0.00004.
gnomAD v4.1: 71 of 1,613,838 alleles (0.0044%); highest among the groups gnomAD compares: East Asian, 0.022%; no homozygotes.

Submissions (5):

PreventionGenetics, part of Exact Sciences
Classification: Uncertain significance for TTC8-related condition. Last evaluated: 2026-07-08. Review status: criteria provided, single submitter. Criteria: ACMG Guidelines, 2015. Collection method: clinical testing. Allele origin: germline.
Comment: The TTC8 c.488C>T variant is predicted to result in the amino acid substitution p.Thr163Met. This variant has been documented in a cohort of patients with Bardet-Biedl syndrome (Supplemental Table 1 in Zhong et al. 2023. PubMed ID: 37031301). This variant is reported in 0.030% of alleles in individuals of East Asian descent in gnomAD. At this time, the clinical significance of this variant is uncertain due to the absence of conclusive functional and genetic evidence.

Labcorp Genetics (formerly Invitae), Labcorp
Classification: Uncertain significance for Bardet-Biedl syndrome. Last evaluated: 2026-01-20. Review status: criteria provided, single submitter. Criteria: Invitae Variant Classification Sherloc (09022015). Collection method: clinical testing. Allele origin: germline.
Comment: This sequence change replaces threonine, which is neutral and polar, with methionine, which is neutral and non-polar, at codon 153 of the TTC8 protein (p.Thr153Met). This variant is present in population databases (rs758942370, gnomAD 0.03%). This missense change has been observed in individual(s) with retinitis pigmentosa (PMID: 37031301). This variant is also known as c.488C>T (T163M). ClinVar contains an entry for this variant (Variation ID: 942431). An algorithm developed to predict the effect of missense changes on protein structure and function (PolyPhen-2) suggests that this variant is likely to be disruptive. In summary, the available evidence is currently insufficient to determine the role of this variant in disease. Therefore, it has been classified as a Variant of Uncertain Significance.

Blueprint Genetics
Classification: Uncertain significance. Last evaluated: 2024-08-30. Review status: criteria provided, single submitter. Criteria: ACMG Guidelines, 2015. Collection method: clinical testing. Allele origin: germline.

Fulgent Genetics
Classification: Uncertain significance for Retinitis pigmentosa 51; Bardet-Biedl syndrome 8. Last evaluated: 2024-03-11. Review status: criteria provided, single submitter. Criteria: ACMG Guidelines, 2015. Collection method: clinical testing. Allele origin: germline.

Dept Of Ophthalmology, Nagoya University
Classification: Uncertain significance for Retinal dystrophy. Last evaluated: 2023-10-01. Review status: criteria provided, single submitter. Criteria: Submitter's publication. Collection method: research. Allele origin: germline. Affected: yes.

Literature cited by the submitters: PubMed 37031301 (cited by Labcorp Genetics (formerly Invitae), Labcorp).

NM_144596.4(TTC8):c.488C>T (p.Thr163Met)

Gene: TTC8 (tetratricopeptide repeat domain 8; plus strand). Cytogenetic location: 14q31.3.
Variant type: single nucleotide variant.
Coding change: c.488C>T on transcript NM_144596.4 (MANE Select); coding-DNA position 488, C replaced by T.
Protein change: p.Thr163Met; replaces threonine 163 with methionine.
Molecular consequence: missense variant. On other transcripts: 5 prime UTR variant (2), non-coding transcript variant (1).
Genome position (GRCh38, 1-based): chr14:88,841,195, C>T. VCF-style: chr14-88841195-C-T. GRCh37 (hg19) VCF-style: chr14-89307539-C-T.
Other names: c.488C>T (NM_144596.3); c.458C>T, p.Thr153Met (NM_001288781.1, NM_001366535.2, NM_001366536.2 and 2 more transcripts); c.-105C>T (NM_001288782.1); c.-200C>T (NM_001288783.1); short protein forms T153M, T163M.
Identifiers: ClinVar variation 942431 (VCV000942431.10), dbSNP rs758942370, ClinGen allele CA7302482.